The following is an entry in ClinVar:

NM_000051.4(ATM):c.3993+1G>T

Gene: ATM (ATM serine/threonine kinase; plus strand). Cytogenetic location: 11q22.3.
Variant type: single nucleotide variant.
Coding change: c.3993+1G>T on transcript NM_000051.4 (MANE Select); the canonical splice donor site of the intron after coding-DNA position 3993, G replaced by T.
Molecular consequence: splice donor variant.
Genome position (GRCh38, 1-based): chr11:108,284,474, G>T. VCF-style: chr11-108284474-G-T. GRCh37 (hg19) VCF-style: chr11-108155201-G-T.
Other names: c.3993+1G>T (NM_001351834.2).
Identifiers: ClinVar variation 370954 (VCV000370954.15), dbSNP rs200196781, ClinGen allele CA16041407.
Genomic context (GRCh38, chr11:108,284,474, plus strand): 5'-AGAGAGACTGCTACCAAGGTCTATGATATGCTTAAAAGTGAAAACTTATTGGGAAAACAG[G>T]TATGGCTTCAATTTTTATGTACTTTTCATTCCCTGAATGATATGAGATATAACCTTTAAG-3'

ClinVar aggregate classification (germline): Pathogenic/Likely pathogenic. Review status: criteria provided, multiple submitters, no conflicts (2 of 4 stars). 6 submissions from 6 submitters: Pathogenic (4); Likely pathogenic (1). 1 of the submissions does not count toward it. Last evaluated 2025-06-22.

Conditions:
Hereditary cancer-predisposing syndrome. Also called: Tumor predisposition; Hereditary Cancer Syndrome; Hereditary neoplastic syndrome; Neoplastic Syndromes, Hereditary. Identifiers: Orphanet 140162, MedGen C0027672, MeSH D009386, MONDO:0015356.
Familial cancer of breast. Also called: Hereditary breast cancer; BREAST CANCER, FAMILIAL; hereditary breast carcinoma. Identifiers: Orphanet 227535, MedGen C0346153, MONDO:0016419, OMIM 114480. Disease mechanism: loss of function.
Ataxia-telangiectasia syndrome (AT). Also called: ATAXIA-TELANGIECTASIA, COMPLEMENTATION GROUP A; ATAXIA-TELANGIECTASIA, FRESNO VARIANT; Ataxia-telangiectasia; Ataxia telangiectasia (A-T); Cerebello-oculocutaneous telangiectasia; Immunodeficiency with ataxia telangiectasia. Identifiers: Orphanet 100, MedGen C0004135, MONDO:0008840, OMIM 208900.

Submissions (6):

Labcorp Genetics (formerly Invitae), Labcorp
Classification: Pathogenic for Ataxia-telangiectasia syndrome. Last evaluated: 2025-06-22. Review status: criteria provided, single submitter. Criteria: Invitae Variant Classification Sherloc (09022015). Collection method: clinical testing. Allele origin: germline.
Comment: This sequence change affects a donor splice site in intron 26 of the ATM gene. It is expected to disrupt RNA splicing. Variants that disrupt the donor or acceptor splice site typically lead to a loss of protein function (PMID: 16199547), and loss-of-function variants in ATM are known to be pathogenic (PMID: 23807571, 25614872). This variant is not present in population databases (gnomAD no frequency). Disruption of this splice site has been observed in individual(s) with ataxia-telangiectasia (PMID: 10980530, 12815592). In at least one individual the data is consistent with being in trans (on the opposite chromosome) from a pathogenic variant. ClinVar contains an entry for this variant (Variation ID: 370954). Algorithms developed to predict the effect of sequence changes on RNA splicing suggest that this variant may disrupt the consensus splice site. For these reasons, this variant has been classified as Pathogenic.

Myriad Genetics, Inc.
Classification: Pathogenic for Familial cancer of breast. Last evaluated: 2024-01-23. Review status: criteria provided, single submitter. Criteria: Myriad Autosomal Dominant, Autosomal Recessive and X-Linked Classification Criteria (2023). Collection method: clinical testing. Allele origin: unknown.
Comment: This variant is considered pathogenic. This variant occurs within a consensus splice junction and is predicted to result in abnormal mRNA splicing of either an out-of-frame exon or an in-frame exon necessary for protein stability and/or normal function. This variant has been reported in multiple individuals with clinical features of gene-specific disease [PMID: 12815592, 21665257, 10980530]. Functional studies indicate this variant impacts protein function [PMID: 12815592, 21665257, 10980530].

GeneDx
Classification: Pathogenic. Last evaluated: 2023-06-06. Review status: criteria provided, single submitter. Criteria: GeneDx Variant Classification Process June 2021. Collection method: clinical testing. Allele origin: germline. Affected: yes.
Comment: Canonical splice site variant predicted to result in a null allele in a gene for which loss of function is a known mechanism of disease; Has not been previously published as pathogenic or benign to our knowledge; Not observed at significant frequency in large population cohorts (gnomAD); This variant is associated with the following publications: (PMID: 25614872, 23807571, 12815592, 10980530)

Baylor Genetics
Classification: Likely pathogenic for Familial cancer of breast. Last evaluated: 2022-10-04. Review status: criteria provided, single submitter. Criteria: ACMG Guidelines, 2015. Collection method: clinical testing. Allele origin: unknown.

Ambry Genetics
Classification: Pathogenic for Hereditary cancer-predisposing syndrome. Last evaluated: 2022-07-27. Review status: criteria provided, single submitter. Criteria: Ambry Variant Classification Scheme 2023. Collection method: clinical testing. Allele origin: germline.
Comment: The c.3993+1G>T intronic variant results from a G to T substitution one nucleotide after coding exon 25 of the ATM gene. This nucleotide position is highly conserved in available vertebrate species. In silico splice site analysis predicts that this alteration will weaken the native splice donor site and will result in the creation or strengthening of a novel splice donor site. Alterations that disrupt the canonical splice site are expected to cause aberrant splicing, resulting in an abnormal protein or a transcript that is subject to nonsense-mediated mRNA decay. RNA studies have demonstrated that this alteration results in abnormal splicing in the set of samples tested (Ambry internal data). Another alteration impacting the same donor site (c.3993+1G>A ), has been shown to have a similar impact on splicing (Ambry internal data) and has has been described in several ataxia-telangiectasia families (Laake K et al. Hum. Mutat. 2000; 16:232-46; Mitui M et al. Hum. Mutat. 2003; 22:43-50). Based on the supporting evidence, this alteration is interpreted as a disease-causing mutation.

Counsyl
Classification: Likely pathogenic for Ataxia-telangiectasia syndrome. Last evaluated: 2016-05-24. Review status: no assertion criteria provided. Collection method: clinical testing. Allele origin: unknown. Not counted in ClinVar's aggregate classification.

Literature cited by the submitters: PubMed 16199547 (cited by Labcorp Genetics (formerly Invitae), Labcorp); PubMed 23807571 (cited by Labcorp Genetics (formerly Invitae), Labcorp); PubMed 25614872 (cited by Labcorp Genetics (formerly Invitae), Labcorp); PubMed 10980530 (cited by Labcorp Genetics (formerly Invitae), Labcorp and Myriad Genetics, Inc.); PubMed 12815592 (cited by Labcorp Genetics (formerly Invitae), Labcorp and Myriad Genetics, Inc.); PubMed 21665257 (cited by Myriad Genetics, Inc.).